The following is an entry in ClinVar:

NM_001014447.3(CPZ):c.1787G>A (p.Arg596Gln)

Gene: CPZ (carboxypeptidase Z; plus strand). Cytogenetic location: 4p16.1.
Variant type: single nucleotide variant.
Coding change: c.1787G>A on transcript NM_001014447.3 (MANE Select); coding-DNA position 1787, G replaced by A.
Protein change: p.Arg596Gln; replaces arginine 596 with glutamine.
Molecular consequence: missense variant.
Genome position (GRCh38, 1-based): chr4:8,619,445, G>A. VCF-style: chr4-8619445-G-A. GRCh37 (hg19) VCF-style: chr4-8621172-G-A.
Other names: c.1376G>A, p.Arg459Gln (NM_001014448.3); c.1754G>A, p.Arg585Gln (NM_003652.4); short protein forms R459Q, R585Q, R596Q.
Identifiers: ClinVar variation 3038299 (VCV003038299.2), dbSNP rs61734020, ClinGen allele CA2854102.

ClinVar aggregate classification (germline): Benign (0 of 4 stars; one submission).

Conditions:
CPZ-related disorder. Also called: CPZ-related condition.

Allele frequency attached by ClinVar (database versions not stated): ExAC 0.01748; 1000 Genomes Project 0.02157; 1000 Genomes Project 30x 0.02311; ESP Exome Variant Server 0.02737.

Submission:

PreventionGenetics, part of Exact Sciences
Classification: Benign for CPZ-related condition. Last evaluated: 2020-01-24. Review status: no assertion criteria provided. Collection method: clinical testing. Allele origin: germline.
Comment: This variant is classified as benign based on ACMG/AMP sequence variant interpretation guidelines (Richards et al. 2015 PMID: 25741868, with internal and published modifications).